The following is an entry in ClinVar:

NM_000051.4(ATM):c.9045G>A (p.Glu3015=)

Genes: ATM (ATM serine/threonine kinase; plus strand), C11orf65 (chromosome 11 open reading frame 65; minus strand). Cytogenetic location: 11q22.3.
Variant type: single nucleotide variant.
Coding change: c.9045G>A on transcript NM_000051.4 (MANE Select); coding-DNA position 9045, G replaced by A.
Protein change: p.Glu3015=; no amino-acid change (glutamic acid 3015 retained).
Molecular consequence: synonymous variant. On other transcripts: intron variant (2).
Genome position (GRCh38, 1-based): chr11:108,365,382, G>A. VCF-style: chr11-108365382-G-A. GRCh37 (hg19) VCF-style: chr11-108236109-G-A.
Other names: c.9045G>A, p.Glu3015= (NM_001351834.2); c.640+20538C>T (NM_001330368.2); c.694+20538C>T (NM_001351110.2).
Identifiers: ClinVar variation 186935 (VCV000186935.23), dbSNP rs786203336, ClinGen allele CA196279.

ClinVar aggregate classification (germline): Conflicting classifications of pathogenicity. Review status: criteria provided, conflicting classifications (1 of 4 stars). 8 submissions from 8 submitters: Uncertain significance (1); Benign (1); Likely benign (5). 1 of the submissions does not count toward it. Last evaluated 2025-12-28.

Conditions:
ATM-related disorder. Also called: ATM-related disorders; ATM-related condition.
Hereditary cancer-predisposing syndrome. Also called: Hereditary Cancer Syndrome; Tumor predisposition; Neoplastic Syndromes, Hereditary; Hereditary neoplastic syndrome. Identifiers: Orphanet 140162, MedGen C0027672, MeSH D009386, MONDO:0015356.
Familial cancer of breast. Also called: hereditary breast carcinoma; BREAST CANCER, FAMILIAL; Hereditary breast cancer. Identifiers: Orphanet 227535, MedGen C0346153, MONDO:0016419, OMIM 114480. Disease mechanism: loss of function.
Ataxia-telangiectasia syndrome (AT). Also called: ATAXIA-TELANGIECTASIA, COMPLEMENTATION GROUP A; ATAXIA-TELANGIECTASIA, FRESNO VARIANT; Ataxia-telangiectasia; Ataxia-telangiectasia, complementation group E; Cerebello-oculocutaneous telangiectasia; Immunodeficiency with ataxia telangiectasia. Identifiers: Orphanet 100, MedGen C0004135, MONDO:0008840, OMIM 208900.

Allele frequency attached by ClinVar (database versions not stated): TOPMed 0.00001; gnomAD 0.00003 and 0.00002.
gnomAD v4.1: 57 of 1,614,052 alleles (0.0035%); highest among the groups gnomAD compares: Non-Finnish European, 0.0047%; no homozygotes.

Submissions (8):

Labcorp Genetics (formerly Invitae), Labcorp
Classification: Likely benign for Ataxia-telangiectasia syndrome. Last evaluated: 2025-12-28. Review status: criteria provided, single submitter. Criteria: Invitae Variant Classification Sherloc (09022015). Collection method: clinical testing. Allele origin: germline.

Myriad Genetics, Inc.
Classification: Benign for Familial cancer of breast. Last evaluated: 2024-06-24. Review status: criteria provided, single submitter. Criteria: Myriad Autosomal Dominant, Autosomal Recessive and X-Linked Classification Criteria (2023). Collection method: clinical testing. Allele origin: unknown.
Comment: This variant is considered benign. This variant is a silent/synonymous amino acid change and it is not expected to impact splicing.

Sema4
Classification: Uncertain significance for Hereditary cancer-predisposing syndrome. Last evaluated: 2021-05-26. Review status: criteria provided, single submitter. Criteria: Sema4 Curation Guidelines. Collection method: curation. Allele origin: germline.
Comment: The ATM c.9045G>A (p.E3015=) variant has been reported in heterozygosity in at least one individual with breast cancer (PMID: 28779002). It was observed in 2/15428 chromosomes of the Non-Finnish European subpopulation in the large and broad cohorts of the Genome Aggregation Database. This variant has been reported in ClinVar (Variation ID 186935). In silico tools suggest that the variant does not impact splicing, though these predictions have not been confirmed by functional studies. The evidence is insufficient to meet ACMG/AMP criteria for classifying the variant as benign or pathogenic. Thus, the clinical significance of this variant is currently uncertain.

GeneDx
Classification: Likely benign. Last evaluated: 2021-04-09. Review status: criteria provided, single submitter. Criteria: GeneDx Variant Classification Process June 2021. Collection method: clinical testing. Allele origin: germline. Affected: yes.

Department of Pathology and Laboratory Medicine, Sinai Health System
Classification: Likely benign for Familial cancer of breast. Last evaluated: 2020-10-05. Review status: criteria provided, single submitter. Criteria: ACMG Guidelines, 2015. Collection method: clinical testing. Allele origin: germline. Affected: yes.

Color Diagnostics, LLC DBA Color Health
Classification: Likely benign for Hereditary cancer-predisposing syndrome. Last evaluated: 2016-02-26. Review status: criteria provided, single submitter. Criteria: ACMG Guidelines, 2015. Collection method: clinical testing. Allele origin: germline.

Ambry Genetics
Classification: Likely benign for Hereditary cancer-predisposing syndrome. Last evaluated: 2014-10-28. Review status: criteria provided, single submitter. Criteria: Ambry Variant Classification Scheme 2023. Collection method: clinical testing. Allele origin: germline.

PreventionGenetics, part of Exact Sciences
Classification: Likely benign for ATM-related condition. Last evaluated: 2024-02-22. Review status: no assertion criteria provided. Collection method: clinical testing. Allele origin: germline. Not counted in ClinVar's aggregate classification.
Comment: This variant is classified as likely benign based on ACMG/AMP sequence variant interpretation guidelines (Richards et al. 2015 PMID: 25741868, with internal and published modifications).

Literature cited by the submitters: PubMed 28779002 (cited by Sema4).